The following is an entry in ClinVar:

NM_002439.5(MSH3):c.2369_2372del (p.Arg790fs)

Gene: MSH3 (mutS homolog 3; plus strand). Cytogenetic location: 5q14.1.
Variant type: Deletion.
Coding change: c.2369_2372del on transcript NM_002439.5 (MANE Select); coding-DNA positions 2369 to 2372, 4 bases deleted (GACA; older notation c.2369_2372delGACA).
Protein change: p.Arg790fs; shifts the reading frame from arginine 790.
Molecular consequence: frameshift variant.
Genome position (GRCh38, 1-based): chr5:80,778,770-80,778,773, GACA deleted; deleting any 4 consecutive bases within chr5:80,778,767-80,778,773 gives the same sequence; the c. name uses the placement nearest the transcript's 3' end. VCF-style (leftmost placement, unchanged base first): chr5-80778766-TACAG-T. GRCh37 (hg19) VCF-style: chr5-80074585-TACAG-T.
Other names: short protein forms R790fs.
Identifiers: ClinVar variation 4856733 (VCV004856733.1).

ClinVar aggregate classification (germline): Pathogenic (1 of 4 stars; one submission).

Conditions:
Familial adenomatous polyposis 4 (FAP4). Also called: MSH3-related attenuated familial adenomatous polyposis. Identifiers: Orphanet 480536, MedGen C4310719, MONDO:0044300, OMIM 617100.

Submission:

Myriad Genetics, Inc.
Classification: Pathogenic for Familial adenomatous polyposis 4. Last evaluated: 2026-02-03. Review status: criteria provided, single submitter. Criteria: Myriad Autosomal Dominant, Autosomal Recessive and X-Linked Classification Criteria (2023). Collection method: clinical testing. Allele origin: unknown.
Comment: This variant is considered pathogenic. This variant creates a frameshift predicted to result in premature protein truncation.